The following is an entry in ClinVar:

ClinVar aggregate classification (germline): Pathogenic. Review status: criteria provided, multiple submitters, no conflicts (2 of 4 stars). 4 submissions from 4 submitters: Pathogenic (3). 1 of the submissions does not count toward it. Last evaluated 2025-06-12.

Conditions:
Cardiovascular phenotype. Identifiers: MedGen CN230736.
Hereditary hemorrhagic telangiectasia (HHT). Also called: ORW DISEASE; Osler Weber Rendu syndrome; OSLER-RENDU-WEBER DISEASE; Osler hemorrhagic telangiectasia syndrome. Identifiers: Orphanet 774, MedGen C0039445, MONDO:0019180. Disease mechanism: loss of function.
ENG-related disorder. Also called: ENG-related condition; ENG-related disorders.

Submissions (4):

Labcorp Genetics (formerly Invitae), Labcorp
Classification: Pathogenic for Hereditary hemorrhagic telangiectasia. Last evaluated: 2025-06-12. Review status: criteria provided, single submitter. Criteria: Invitae Variant Classification Sherloc (09022015). Collection method: clinical testing. Allele origin: germline.
Comment: This sequence change creates a premature translational stop signal (p.Glu563Lysfs*10) in the ENG gene. While this is not anticipated to result in nonsense mediated decay, it is expected to disrupt the last 63 amino acid(s) of the ENG protein. This variant is not present in population databases (gnomAD no frequency). This premature translational stop signal has been observed in individual(s) with hereditary hemorrhagic telangiectasia (HHT) (PMID: 24196379; internal data). In at least one individual the variant was observed to be de novo. ClinVar contains an entry for this variant (Variation ID: 580415). Experimental studies and prediction algorithms are not available or were not evaluated, and the functional significance of this variant is currently unknown. Algorithms developed to predict the effect of sequence changes on RNA splicing suggest that this variant may disrupt the consensus splice site. This variant disrupts the C-terminus of the ENG protein. Other variant(s) that disrupt this region (p.Gly603Arg, p.Ile602Serfs*38) have been observed in individuals with ENG-related conditions (PMID: 20414677, 23919827). This suggests that this may be a clinically significant region of the protein. For these reasons, this variant has been classified as Pathogenic.

Blueprint Genetics
Classification: Pathogenic for ENG-related disorders. Last evaluated: 2020-04-08. Review status: criteria provided, single submitter. Criteria: ACMG Guidelines, 2015. Collection method: clinical testing. Allele origin: germline. Affected: yes. Observed: 3 variant alleles.

Ambry Genetics
Classification: Pathogenic for Cardiovascular phenotype. Last evaluated: 2019-05-02. Review status: criteria provided, single submitter. Criteria: Ambry General Variant Classification Scheme_2022. Collection method: clinical testing. Allele origin: germline. Observed: 1 variant allele.
Comment: The c.1687delG pathogenic mutation, located in coding exon 13 of the ENG gene, results from a deletion of one nucleotide at nucleotide position 1687, causing a translational frameshift with a predicted alternate stop codon (p.E563Kfs*10). This mutation was identified in Japanese individuals with hereditary hemorrhagic telangiectasia (Komiyama M et al. J. Hum. Genet., 2014 Jan;59:37-41). In addition to the clinical data presented in the literature, this alteration is expected to result in loss of function by premature protein truncation or nonsense-mediated mRNA decay. As such, this alteration is interpreted as a disease-causing mutation.

PreventionGenetics, part of Exact Sciences
Classification: Pathogenic for ENG-related condition. Last evaluated: 2024-04-02. Review status: no assertion criteria provided. Collection method: clinical testing. Allele origin: germline. Not counted in ClinVar's aggregate classification.
Comment: The ENG c.1687delG variant is predicted to result in a frameshift and premature protein termination (p.Glu563Lysfs*10). This variant has been reported in an individual with hereditary hemorrhagic telangiectasia (Table 3, Komiyama et al. 2014. PubMed ID: 24196379). This variant has not been reported in a large population database, indicating this variant is rare. Frameshift variants in ENG are expected to be pathogenic. This variant is interpreted as pathogenic.

Literature cited by the submitters: PubMed 24196379 (cited by Labcorp Genetics (formerly Invitae), Labcorp and Ambry Genetics); PubMed 20414677 (cited by Labcorp Genetics (formerly Invitae), Labcorp); PubMed 23919827 (cited by Labcorp Genetics (formerly Invitae), Labcorp).

NM_000118.3(ENG):c.1687delG

Genes: ENG (endoglin; minus strand), LOC102723566 (uncharacterized LOC102723566; plus strand). Cytogenetic location: 9q34.11.
Variant type: Deletion.
Coding change: c.1687delG on transcript NM_000118.3; coding-DNA position 1687, one base deleted (G).
Molecular consequence: splice acceptor variant. On other transcripts: non-coding transcript variant (1).
Genome position (GRCh38, 1-based): chr9:127,817,203, C deleted on the plus strand (G on the coding strand, the reverse complement: ENG is on the minus strand); the first of 2 consecutive C bases (chr9:127,817,203-127,817,204); deleting either gives the same sequence. VCF-style (leftmost placement, unchanged base first): chr9-127817202-TC-T. GRCh37 (hg19) VCF-style: chr9-130579481-TC-T.
Other names: c.1687del (NM_000118.3).
Identifiers: ClinVar variation 580415 (VCV000580415.14), dbSNP rs1564452075, ClinGen allele CA891842551.
Genomic context (GRCh38, chr9:127,817,202, plus strand): 5'-AGCTCACCAGACAGGTCAGGGCTGATGATGTTCAAGCGCATGAAGACAGTCCTATGGACT[TC>T]CTGGAGGAGAAAGAGAGAGCAGTATGTGGCACCTTTGGGAGGCGGCTTCCAGGTTTACTC-3'